The following is an entry in ClinVar:

NM_004279.3(PMPCB):c.328-10_328-9del

Gene: PMPCB (peptidase, mitochondrial processing subunit beta; plus strand). Cytogenetic location: 7q22.1.
Variant type: Deletion.
Coding change: c.328-10_328-9del on transcript NM_004279.3 (MANE Select); 10 bases into the intron before coding-DNA position 328 through 9 bases into the intron before coding-DNA position 328, 2 bases deleted (TT; older notation c.328-10_328-9delTT).
Molecular consequence: intron variant.
Genome position (GRCh38, 1-based): chr7:103,300,168-103,300,169, TT deleted; deleting any 2 consecutive bases within chr7:103,300,166-103,300,169 gives the same sequence; the c. name uses the placement nearest the transcript's 3' end. VCF-style (leftmost placement, unchanged base first): chr7-103300165-CTT-C. GRCh37 (hg19) VCF-style: chr7-102940612-CTT-C.
Other names: NC_000007.13:g.102940615_102940616del; c.328-10_328-9delTT (NM_004279.2).
Identifiers: ClinVar variation 1987265 (VCV001987265.7), dbSNP rs375429957, ClinGen allele CA4417915.

ClinVar aggregate classification (germline): Benign. Review status: criteria provided, single submitter (1 of 4 stars). 2 submissions from 2 submitters: Benign (1). 1 of the submissions does not count toward it. Last evaluated 2026-01-14.

Conditions:
PMPCB-related disorder. Also called: PMPCB-related condition.

Submissions (3):

Labcorp Genetics (formerly Invitae), Labcorp
Classification: Benign. Last evaluated: 2026-01-14. Review status: criteria provided, single submitter. Criteria: Invitae Variant Classification Sherloc (09022015). Collection method: clinical testing. Allele origin: germline.

PreventionGenetics, part of Exact Sciences
Classification: Benign for PMPCB-related condition. Last evaluated: 2022-11-29. Review status: no assertion criteria provided. Collection method: clinical testing. Allele origin: germline. Not counted in ClinVar's aggregate classification.
Comment: This variant is classified as benign based on ACMG/AMP sequence variant interpretation guidelines (Richards et al. 2015 PMID: 25741868, with internal and published modifications).

Dr. Peter K. Rogan Lab, Western University
No classification provided (evidence only). Condition: Colon adenocarcinoma. Review status: no classification provided. Collection method: in vitro. Allele origin: not applicable. Functional consequence: skipped exon. Not counted in ClinVar's aggregate classification.